The following is an entry in ClinVar:

NM_001308.3(CPN1):c.750C>T (p.Leu250=)

Gene: CPN1 (carboxypeptidase N subunit 1; minus strand). Cytogenetic location: 10q24.2.
Variant type: single nucleotide variant.
Coding change: c.750C>T on transcript NM_001308.3 (MANE Select); coding-DNA position 750, C replaced by T.
Protein change: p.Leu250=; no amino-acid change (leucine 250 retained).
Molecular consequence: synonymous variant.
Genome position (GRCh38, 1-based): chr10:100,065,197, G>A on the plus strand (C>T on the coding strand, the complement: CPN1 is on the minus strand). VCF-style: chr10-100065197-G-A. GRCh37 (hg19) VCF-style: chr10-101824954-G-A.
Identifiers: ClinVar variation 3055820 (VCV003055820.2), dbSNP rs3750717, ClinGen allele CA5645686.

ClinVar aggregate classification (germline): Benign (0 of 4 stars; one submission).

Conditions:
CPN1-related disorder. Also called: CPN1-related condition.

Allele frequency attached by ClinVar (database versions not stated): gnomAD 0.04447; TOPMed 0.04628; ESP Exome Variant Server 0.04675; 1000 Genomes Project 0.05731; 1000 Genomes Project 30x 0.05793.
gnomAD v4.1: 37,959 of 1,613,040 alleles (2.4%); highest among the groups gnomAD compares: African/African-American, 11%; 946 homozygotes.

Submission:

PreventionGenetics, part of Exact Sciences
Classification: Benign for CPN1-related condition. Last evaluated: 2019-12-05. Review status: no assertion criteria provided. Collection method: clinical testing. Allele origin: germline.
Comment: This variant is classified as benign based on ACMG/AMP sequence variant interpretation guidelines (Richards et al. 2015 PMID: 25741868, with internal and published modifications).